The following is an entry in ClinVar:

NM_004168.4(SDHA):c.1304T>A (p.Leu435Gln)

Gene: SDHA (succinate dehydrogenase complex flavoprotein subunit A; plus strand). Cytogenetic location: 5p15.33.
Variant type: single nucleotide variant.
Coding change: c.1304T>A on transcript NM_004168.4 (MANE Select); coding-DNA position 1304, T replaced by A.
Protein change: p.Leu435Gln; replaces leucine 435 with glutamine.
Molecular consequence: missense variant.
Genome position (GRCh38, 1-based): chr5:236,471, T>A. VCF-style: chr5-236471-T-A. GRCh37 (hg19) VCF-style: chr5-236586-T-A.
Other names: c.1160T>A, p.Leu387Gln (NM_001294332.2); c.1304T>A, p.Leu435Gln (NM_001330758.2); short protein forms L387Q, L435Q.
Identifiers: ClinVar variation 818857 (VCV000818857.11), dbSNP rs1579409500, ClinGen allele CA359013886.

ClinVar aggregate classification (germline): Conflicting classifications of pathogenicity. Review status: criteria provided, conflicting classifications (1 of 4 stars). 3 submissions from 3 submitters: Likely pathogenic (1); Uncertain significance (2). Last evaluated 2026-02-09.

Conditions:
Mitochondrial complex II deficiency, nuclear type 1. Also called: SUCCINATE CoQ REDUCTASE DEFICIENCY. Identifiers: Orphanet 3208, MedGen C5700310, MONDO:0100294, OMIM 252011.
Pheochromocytoma/paraganglioma syndrome 5. Also called: Paragangliomas 5; SDHA-Related Hereditary Paraganglioma-Pheochromocytoma Syndrome. Identifiers: Orphanet 29072, MedGen C3279992, MONDO:0013602, OMIM 614165.
Hereditary cancer-predisposing syndrome. Also called: Neoplastic Syndromes, Hereditary; Tumor predisposition; Hereditary Cancer Syndrome; Hereditary neoplastic syndrome. Identifiers: Orphanet 140162, MedGen C0027672, MeSH D009386, MONDO:0015356.

Submissions (3):

Ambry Genetics
Classification: Likely pathogenic for Hereditary cancer-predisposing syndrome. Last evaluated: 2026-02-09. Review status: criteria provided, single submitter. Criteria: Ambry Variant Classification Scheme 2023. Collection method: clinical testing. Allele origin: germline.
Comment: The p.L435Q variant (also known as c.1304T>A), located in coding exon 10 of the SDHA gene, results from a T to A substitution at nucleotide position 1304. The leucine at codon 435 is replaced by glutamine, an amino acid with dissimilar properties. This variant was reported in individual(s) with a personal history of paraganglioma (De Fabritiis S et al. Oncogenesis, 2023 Feb;12:10). Other variant(s) at the same codon, p.L435R (c.1304T>G), have been identified in individual(s) with features consistent with SDHA-related hereditary pheochromocytoma-paraganglioma Ambry internal data; external communication).This variant is considered to be rare based on population cohorts in the Genome Aggregation Database (gnomAD). This amino acid position is highly conserved in available vertebrate species. In addition, this alteration is predicted to be deleterious by in silico analysis. Based on the majority of available evidence to date, this variant is likely to be pathogenic.

Blueprint Genetics
Classification: Uncertain significance. Last evaluated: 2024-04-29. Review status: criteria provided, single submitter. Criteria: ACMG Guidelines, 2015. Collection method: clinical testing. Allele origin: germline.

Labcorp Genetics (formerly Invitae), Labcorp
Classification: Uncertain significance for Pheochromocytoma/paraganglioma syndrome 5; Mitochondrial complex II deficiency, nuclear type 1. Last evaluated: 2022-08-27. Review status: criteria provided, single submitter. Criteria: Invitae Variant Classification Sherloc (09022015). Collection method: clinical testing. Allele origin: germline.
Comment: ClinVar contains an entry for this variant (Variation ID: 818857). This sequence change replaces leucine, which is neutral and non-polar, with glutamine, which is neutral and polar, at codon 435 of the SDHA protein (p.Leu435Gln). This variant is not present in population databases (gnomAD no frequency). This variant has not been reported in the literature in individuals affected with SDHA-related conditions. Advanced modeling of protein sequence and biophysical properties (such as structural, functional, and spatial information, amino acid conservation, physicochemical variation, residue mobility, and thermodynamic stability) performed at Invitae indicates that this missense variant is expected to disrupt SDHA protein function. Algorithms developed to predict the effect of sequence changes on RNA splicing suggest that this variant may create or strengthen a splice site. In summary, the available evidence is currently insufficient to determine the role of this variant in disease. Therefore, it has been classified as a Variant of Uncertain Significance.

Literature cited by the submitters: PubMed 36841802 (cited by Ambry Genetics).